The following is an entry in ClinVar:

NM_031935.3(HMCN1):c.6480+4A>T

Gene: HMCN1 (hemicentin 1; plus strand). Cytogenetic location: 1q31.1.
Variant type: single nucleotide variant.
Coding change: c.6480+4A>T on transcript NM_031935.3 (MANE Select); 4 bases into the intron after coding-DNA position 6480, A replaced by T.
Molecular consequence: intron variant.
Genome position (GRCh38, 1-based): chr1:186,045,867, A>T. VCF-style: chr1-186045867-A-T. GRCh37 (hg19) VCF-style: chr1-186014999-A-T.
Identifiers: ClinVar variation 1435362 (VCV001435362.6), dbSNP rs376146048, ClinGen allele CA1292571.

ClinVar aggregate classification (germline): Uncertain significance (1 of 4 stars; one submission).

Allele frequency attached by ClinVar (database versions not stated): ExAC 0.00001; gnomAD exomes 0.00001 and 0.00006; gnomAD 0.00002 and 0.00003; TOPMed 0.00003; ESP Exome Variant Server 0.00008.
gnomAD v4.1: 91 of 1,598,468 alleles (0.0057%); highest among the groups gnomAD compares: Non-Finnish European, 0.0069%; no homozygotes.

Submission:

Labcorp Genetics (formerly Invitae), Labcorp
Classification: Uncertain significance. Last evaluated: 2025-01-13. Review status: criteria provided, single submitter. Criteria: Invitae Variant Classification Sherloc (09022015). Collection method: clinical testing. Allele origin: germline.
Comment: This sequence change falls in intron 41 of the HMCN1 gene. It does not directly change the encoded amino acid sequence of the HMCN1 protein. It affects a nucleotide within the consensus splice site. This variant is present in population databases (rs376146048, gnomAD 0.002%). This variant has not been reported in the literature in individuals affected with HMCN1-related conditions. ClinVar contains an entry for this variant (Variation ID: 1435362). Variants that disrupt the consensus splice site are a relatively common cause of aberrant splicing (PMID: 17576681, 9536098). Algorithms developed to predict the effect of sequence changes on RNA splicing suggest that this variant is not likely to affect RNA splicing. In summary, the available evidence is currently insufficient to determine the role of this variant in disease. Therefore, it has been classified as a Variant of Uncertain Significance.

Literature cited by the submitters: PubMed 17576681; PubMed 9536098.